The following is an entry in ClinVar:

NM_003072.5(SMARCA4):c.1618A>G (p.Lys540Glu)

Gene: SMARCA4 (SWI/SNF related, matrix associated, actin dependent regulator of chromatin, subfamily a, member 4; plus strand). Cytogenetic location: 19p13.2.
Variant type: single nucleotide variant.
Coding change: c.1618A>G on transcript NM_003072.5 (MANE Select); coding-DNA position 1618, A replaced by G.
Protein change: p.Lys540Glu; replaces lysine 540 with glutamic acid.
Molecular consequence: missense variant. On other transcripts: non-coding transcript variant (1).
Genome position (GRCh38, 1-based): chr19:10,996,237, A>G. VCF-style: chr19-10996237-A-G. GRCh37 (hg19) VCF-style: chr19-11106913-A-G.
Other names: c.1618A>G, p.Lys540Glu (NM_001128844.3, NM_001128845.2, NM_001128846.2 and 5 more transcripts); short protein forms K540E.
Identifiers: ClinVar variation 1311276 (VCV001311276.2), dbSNP rs2145969490, ClinGen allele CA404064261.
Genomic context (GRCh38, chr19:10,996,237, plus strand): 5'-TGCCACCACATTGCAGTAACCCCCATGCTTTTGTAGGCTGAAGATGAGGAGGGGTACCGC[A>G]AGCTCATCGACCAGAAGAAGGACAAGCGCCTGGCCTACCTCTTGCAGCAGACAGACGAGT-3'
Protein context (NP_003063.2, residues 530-550): LMAEDEEGYR[Lys540Glu]LIDQKKDKRL

ClinVar aggregate classification (germline): Uncertain significance (1 of 4 stars; one submission).

Submission:

GeneDx
Classification: Uncertain significance. Last evaluated: 2019-09-17. Review status: criteria provided, single submitter. Criteria: GeneDx Variant Classification Process June 2021. Collection method: clinical testing. Allele origin: germline. Affected: yes.
Comment: Not observed in large population cohorts (Lek et al., 2016); In silico analysis, which includes protein predictors and evolutionary conservation, supports a deleterious effect; Has not been previously published as pathogenic or benign to our knowledge